The following is an entry in ClinVar:

ClinVar aggregate classification (germline): Uncertain significance (1 of 4 stars; one submission).

Submission:

GeneDx
Classification: Uncertain significance. Last evaluated: 2019-08-06. Review status: criteria provided, single submitter. Criteria: GeneDx Variant Classification Process June 2021. Collection method: clinical testing. Allele origin: germline. Affected: yes.
Comment: Not observed in large population cohorts (Lek et al., 2016); In silico analysis, which includes splice predictors and evolutionary conservation, supports that this variant does not alter protein structure/function; Has not been previously published as pathogenic or benign to our knowledge; Located in an alternative transcript of the gene

NM_001330078.2(NRXN1):c.3365-109846T>C

Gene: NRXN1 (neurexin 1; minus strand). Cytogenetic location: 2p16.3.
Variant type: single nucleotide variant.
Coding change: c.3365-109846T>C on transcript NM_001330078.2 (MANE Select); 109846 bases into the intron before coding-DNA position 3365, T replaced by C.
Molecular consequence: intron variant. On other transcripts: missense variant (4).
Genome position (GRCh38, 1-based): chr2:50,346,816, A>G on the plus strand (T>C on the coding strand, the complement: NRXN1 is on the minus strand). VCF-style: chr2-50346816-A-G. GRCh37 (hg19) VCF-style: chr2-50573954-A-G.
Other names: c.134T>C, p.Leu45Pro (NM_001330091.2, NM_001330092.2, NM_001330097.2 and 1 more transcripts); c.3254-109846T>C (NM_001330096.2, NM_001330087.2); c.3299-109846T>C (NM_001330083.2, NM_001330084.2); c.3284-109846T>C (NM_001330088.2); c.3362-109846T>C (NM_001330093.2); c.3353-109846T>C (NM_001330094.2); c.3314-109846T>C (NM_001330095.2); c.3341-109846T>C (NM_001330082.2, NM_001330077.2); and 3 more; short protein forms L45P.
Identifiers: ClinVar variation 1208731 (VCV001208731.3), dbSNP rs2152997532, ClinGen allele CA346820495.
Genomic context (GRCh38, chr2:50,346,816, plus strand): 5'-CTGCCATGGAAATGGTGGATGTGGTGCGCTCCCAAACTGGATGCCCCCCACGCCACTCCT[A>G]GGAGGCCGCTGAGGGTGAGCGGGACTATCCAAAGCAGGGCCAGGCGCCCCCCTGCGCCGC-3'